The following is an entry in ClinVar:

ClinVar aggregate classification (germline): Uncertain significance (1 of 4 stars; one submission).

Allele frequency attached by ClinVar (database versions not stated): gnomAD exomes below 0.00001; TOPMed below 0.00001.
gnomAD v4.1: 1 of 1,612,088 alleles (0.000062%); highest among the groups gnomAD compares: African/African-American, 0.0013%; no homozygotes.

Submission:

Labcorp Genetics (formerly Invitae), Labcorp
Classification: Uncertain significance. Last evaluated: 2023-12-13. Review status: criteria provided, single submitter. Criteria: Invitae Variant Classification Sherloc (09022015). Collection method: clinical testing. Allele origin: germline.
Comment: This sequence change replaces leucine, which is neutral and non-polar, with phenylalanine, which is neutral and non-polar, at codon 43 of the MBD4 protein (p.Leu43Phe). This variant is not present in population databases (gnomAD no frequency). This variant has not been reported in the literature in individuals affected with MBD4-related conditions. An algorithm developed to predict the effect of missense changes on protein structure and function (PolyPhen-2) suggests that this variant is likely to be disruptive. In summary, the available evidence is currently insufficient to determine the role of this variant in disease. Therefore, it has been classified as a Variant of Uncertain Significance.

NM_001276270.2(MBD4):c.129G>T (p.Leu43Phe)

Gene: MBD4 (methyl-CpG binding domain 4, DNA glycosylase; minus strand). Cytogenetic location: 3q21.3.
Variant type: single nucleotide variant.
Coding change: c.129G>T on transcript NM_001276270.2 (MANE Select); coding-DNA position 129, G replaced by T.
Protein change: p.Leu43Phe; replaces leucine 43 with phenylalanine.
Molecular consequence: missense variant.
Genome position (GRCh38, 1-based): chr3:129,437,926, C>A on the plus strand (G>T on the coding strand, the complement: MBD4 is on the minus strand). VCF-style: chr3-129437926-C-A. GRCh37 (hg19) VCF-style: chr3-129156769-C-A.
Other names: c.129G>T, p.Leu43Phe (NM_001276271.2, NM_001276272.2, NM_001276273.2 and 1 more transcripts); short protein forms L43F.
Identifiers: ClinVar variation 2702796 (VCV002702796.3), dbSNP rs896226137, ClinGen allele CA82637673.